The following is an entry in ClinVar:

NM_201384.3(PLEC):c.2944T>A (p.Cys982Ser)

Gene: PLEC (plectin; minus strand). Cytogenetic location: 8q24.3.
Variant type: single nucleotide variant.
Coding change: c.2944T>A on transcript NM_201384.3 (MANE Select); coding-DNA position 2944, T replaced by A.
Protein change: p.Cys982Ser; replaces cysteine 982 with serine.
Molecular consequence: missense variant.
Genome position (GRCh38, 1-based): chr8:143,929,551, A>T on the plus strand (T>A on the coding strand, the complement: PLEC is on the minus strand). VCF-style: chr8-143929551-A-T. GRCh37 (hg19) VCF-style: chr8-145003719-A-T.
Other names: c.3025T>A, p.Cys1009Ser (NM_000445.5, NM_001410941.1); c.2902T>A, p.Cys968Ser (NM_201378.4); c.2878T>A, p.Cys960Ser (NM_201379.3); c.3355T>A, p.Cys1119Ser (NM_201380.4); c.2848T>A, p.Cys950Ser (NM_201381.3); c.2944T>A, p.Cys982Ser (NM_201382.4); c.2956T>A, p.Cys986Ser (NM_201383.3); short protein forms C950S, C960S, C986S, C1119S, C1009S, C968S, C982S.
Identifiers: ClinVar variation 2053565 (VCV002053565.4), dbSNP rs1554711258, ClinGen allele CA372570265.

ClinVar aggregate classification (germline): Uncertain significance (1 of 4 stars; one submission).

Conditions:
Epidermolysis bullosa simplex 5B, with muscular dystrophy (EBS5B). Also called: EPIDERMOLYSIS BULLOSA SIMPLEX AND LIMB-GIRDLE MUSCULAR DYSTROPHY; Epidermolysis bullosa simplex with muscular dystrophy. Identifiers: Orphanet 257, MedGen C2931072, MONDO:0009181, OMIM 226670.
Epidermolysis bullosa simplex, Ogna type (EBS5A). Also called: Pidermolysis bullosa simplex 5A, Ogna type; EPIDERMOLYSIS BULLOSA SIMPLEX 5A, OGNA TYPE. Identifiers: Orphanet 79401, MedGen C0432317, MONDO:0007555, OMIM 131950.
Epidermolysis bullosa simplex 5C, with pyloric atresia (EBS5C). Also called: PLEC-Related Epidermolysis Bullosa with Pyloric Atresia; Epidermolysis bullosa simplex with pyloric atresia; PLEC1-Related Epidermolysis Bullosa with Pyloric Atresia. Identifiers: Orphanet 158684, MedGen C2677349, MONDO:0012807, OMIM 612138.
Autosomal recessive limb-girdle muscular dystrophy type 2Q (LGMDR17). Also called: MUSCULAR DYSTROPHY, LIMB-GIRDLE, AUTOSOMAL RECESSIVE 17. Identifiers: Orphanet 254361, MedGen C3150989, MONDO:0013390, OMIM 613723.
Epidermolysis bullosa simplex with nail dystrophy (EBS5D). Identifiers: MedGen C4225309, MONDO:0014661, OMIM 616487.

Allele frequency attached by ClinVar (database versions not stated): gnomAD exomes below 0.00001.
gnomAD v4.1: 1 of 1,612,622 alleles (0.000062%); highest among the groups gnomAD compares: Admixed American, 0.0017%; no homozygotes.

Submission:

Labcorp Genetics (formerly Invitae), Labcorp
Classification: Uncertain significance for Autosomal recessive limb-girdle muscular dystrophy type 2Q; Epidermolysis bullosa simplex, Ogna type; Epidermolysis bullosa simplex with nail dystrophy; Epidermolysis bullosa simplex 5C, with pyloric atresia; Epidermolysis bullosa simplex 5B, with muscular dystrophy. Last evaluated: 2023-12-06. Review status: criteria provided, single submitter. Criteria: Invitae Variant Classification Sherloc (09022015). Collection method: clinical testing. Allele origin: germline.
Comment: This sequence change replaces cysteine, which is neutral and slightly polar, with serine, which is neutral and polar, at codon 1009 of the PLEC protein (p.Cys1009Ser). This variant is present in population databases (no rsID available, gnomAD 0.003%). This variant has not been reported in the literature in individuals affected with PLEC-related conditions. ClinVar contains an entry for this variant (Variation ID: 2053565). Advanced modeling of protein sequence and biophysical properties (such as structural, functional, and spatial information, amino acid conservation, physicochemical variation, residue mobility, and thermodynamic stability) performed at Invitae indicates that this missense variant is not expected to disrupt PLEC protein function with a negative predictive value of 80%. In summary, the available evidence is currently insufficient to determine the role of this variant in disease. Therefore, it has been classified as a Variant of Uncertain Significance.